The following is an entry in ClinVar:

NM_016341.4(PLCE1):c.234G>C (p.Glu78Asp)

Gene: PLCE1 (phospholipase C epsilon 1; plus strand). Cytogenetic location: 10q23.33.
Variant type: single nucleotide variant.
Coding change: c.234G>C on transcript NM_016341.4 (MANE Select); coding-DNA position 234, G replaced by C.
Protein change: p.Glu78Asp; replaces glutamic acid 78 with aspartic acid.
Molecular consequence: missense variant.
Genome position (GRCh38, 1-based): chr10:94,031,280, G>C. VCF-style: chr10-94031280-G-C. GRCh37 (hg19) VCF-style: chr10-95791037-G-C.
Other names: c.234G>C, p.Glu78Asp (NM_001288989.2); short protein forms E78D.
Identifiers: ClinVar variation 2671661 (VCV002671661.1), dbSNP rs2493614000, ClinGen allele CA377635614.

ClinVar aggregate classification (germline): Uncertain significance (1 of 4 stars; one submission).

Conditions:
Nephrotic syndrome, type 3 (NPHS3). Also called: NEPHROTIC SYNDROME, EARLY-ONSET, TYPE 3. Identifiers: Orphanet 656, MedGen C1853124, MONDO:0012546, OMIM 610725.

Submission:

Neuberg Centre For Genomic Medicine, NCGM
Classification: Uncertain significance for Nephrotic syndrome, type 3. Last evaluated: 2023-03-01. Review status: criteria provided, single submitter. Criteria: ACMG Guidelines, 2015. Collection method: clinical testing. Allele origin: germline. Inheritance: Autosomal recessive inheritance. Affected: yes.
Comment: The missense c.234G>C(p.Glu78Asp) variant in PLCE1 gene has not been reported previously as a pathogenic variant nor as a benign variant, to our knowledge. This variant is novel (not in any individuals) in gnomAD Exomes and 1000 Genomes. The amino acid Glu at position 78 is changed to a Asp changing protein sequence and it might alter its composition and physico-chemical properties. The amino acid change p.Glu78Asp in PLCE1 is predicted as conserved by GERP++ and PhyloP across 100 vertebrates. For these reasons, this variant has been classified as Uncertain Significance. In the absence of another reportable variant, the molecular diagnosis is not confirmed.